The following is an entry in ClinVar:

ClinVar aggregate classification (germline): Likely pathogenic (1 of 4 stars; one submission).

gnomAD v4.1: 1 of 1,613,970 alleles (0.000062%); highest among the groups gnomAD compares: Non-Finnish European, 0.000085%; no homozygotes.

Submission:

Labcorp Genetics (formerly Invitae), Labcorp
Classification: Likely pathogenic. Last evaluated: 2021-09-04. Review status: criteria provided, single submitter. Criteria: Invitae Variant Classification Sherloc (09022015). Collection method: clinical testing. Allele origin: germline.
Comment: This sequence change affects an acceptor splice site in intron 33 of the COL7A1 gene. It is expected to disrupt splicing. Variants that disrupt the donor or acceptor splice site typically lead to a loss of protein function (PMID: 16199547), and loss-of-function variants in COL7A1 are known to be disease-causing for autosomal recessive dystrophic epidermolysis bullosa (PMID: 16971478). However, certain variants affecting donor or acceptor splice sites in the triple helical domain of COL7A1 are expected to result in in-frame exon skipping and have been reported to cause autosomal dominant dystrophic epidermolysis bullosa (PMID: 31670143). This variant is not present in population databases (ExAC no frequency). This variant has not been reported in the literature in individuals affected with COL7A1-related conditions. Algorithms developed to predict the effect of sequence changes on RNA splicing suggest that this variant may disrupt the consensus splice site. In summary, the currently available evidence indicates that the variant is pathogenic, but additional data are needed to prove that conclusively. Therefore, this variant has been classified as Likely Pathogenic.

Literature cited by the submitters: PubMed 16199547; PubMed 16971478; PubMed 31670143.

NM_000094.4(COL7A1):c.4012-2A>C

Gene: COL7A1 (collagen type VII alpha 1 chain; minus strand). Cytogenetic location: 3p21.31.
Variant type: single nucleotide variant.
Coding change: c.4012-2A>C on transcript NM_000094.4 (MANE Select); the canonical splice acceptor site of the intron before coding-DNA position 4012, A replaced by C.
Molecular consequence: splice acceptor variant.
Genome position (GRCh38, 1-based): chr3:48,584,771, T>G on the plus strand (A>C on the coding strand, the complement: COL7A1 is on the minus strand). VCF-style: chr3-48584771-T-G. GRCh37 (hg19) VCF-style: chr3-48622204-T-G.
Identifiers: ClinVar variation 1480003 (VCV001480003.6), dbSNP rs2107736723, ClinGen allele CA352696886.